The following is an entry in ClinVar:

ClinVar aggregate classification (germline): Uncertain significance (1 of 4 stars; one submission).

Allele frequency attached by ClinVar (database versions not stated): gnomAD exomes 0.00001; ExAC 0.00002; gnomAD 0.00003; TOPMed 0.00005; ESP Exome Variant Server 0.00008.
gnomAD v4.1: 23 of 1,614,026 alleles (0.0014%); highest among the groups gnomAD compares: African/African-American, 0.012%; no homozygotes.

Submission:

Labcorp Genetics (formerly Invitae), Labcorp
Classification: Uncertain significance. Last evaluated: 2025-12-08. Review status: criteria provided, single submitter. Criteria: Invitae Variant Classification Sherloc (09022015). Collection method: clinical testing. Allele origin: germline.
Comment: This sequence change replaces asparagine, which is neutral and polar, with serine, which is neutral and polar, at codon 437 of the ACVR1 protein (p.Asn437Ser). This variant is present in population databases (rs375101352, gnomAD 0.02%). This variant has not been reported in the literature in individuals affected with ACVR1-related conditions. ClinVar contains an entry for this variant (Variation ID: 2176938). An algorithm developed to predict the effect of missense changes on protein structure and function (PolyPhen-2) suggests that this variant is likely to be tolerated. In summary, the available evidence is currently insufficient to determine the role of this variant in disease. Therefore, it has been classified as a Variant of Uncertain Significance.

NM_001111067.4(ACVR1):c.1310A>G (p.Asn437Ser)

Gene: ACVR1 (activin A receptor type 1; minus strand). Cytogenetic location: 2q24.1.
Variant type: single nucleotide variant.
Coding change: c.1310A>G on transcript NM_001111067.4 (MANE Select); coding-DNA position 1310, A replaced by G.
Protein change: p.Asn437Ser; replaces asparagine 437 with serine.
Molecular consequence: missense variant.
Genome position (GRCh38, 1-based): chr2:157,738,525, T>C on the plus strand (A>G on the coding strand, the complement: ACVR1 is on the minus strand). VCF-style: chr2-157738525-T-C. GRCh37 (hg19) VCF-style: chr2-158595037-T-C.
Other names: c.1310A>G, p.Asn437Ser (NM_001105.5, NM_001347663.1, NM_001347664.1 and 3 more transcripts); short protein forms N437S.
Identifiers: ClinVar variation 2176938 (VCV002176938.4), dbSNP rs375101352, ClinGen allele CA1918974.